The following is an entry in ClinVar:

ClinVar aggregate classification (germline): Likely benign (0 of 4 stars; one submission).

Conditions:
FASTKD2-related disorder. Also called: FASTKD2-related condition.

Allele frequency attached by ClinVar (database versions not stated): gnomAD 0.00001; TOPMed 0.00001.
gnomAD v4.1: 1 of 1,614,012 alleles (0.000062%); highest among the groups gnomAD compares: African/African-American, 0.0013%; no homozygotes.

Submission:

PreventionGenetics, part of Exact Sciences
Classification: Likely benign for FASTKD2-related condition. Last evaluated: 2020-04-29. Review status: no assertion criteria provided. Collection method: clinical testing. Allele origin: germline.
Comment: This variant is classified as likely benign based on ACMG/AMP sequence variant interpretation guidelines (Richards et al. 2015 PMID: 25741868, with internal and published modifications).

NM_001136193.2(FASTKD2):c.21A>C (p.Pro7=)

Gene: FASTKD2 (FAST kinase domains 2; plus strand). Cytogenetic location: 2q33.3.
Variant type: single nucleotide variant.
Coding change: c.21A>C on transcript NM_001136193.2 (MANE Select); coding-DNA position 21, A replaced by C.
Protein change: p.Pro7=; no amino-acid change (proline 7 retained).
Molecular consequence: synonymous variant.
Genome position (GRCh38, 1-based): chr2:206,766,714, A>C. VCF-style: chr2-206766714-A-C. GRCh37 (hg19) VCF-style: chr2-207631438-A-C.
Other names: c.21A>C, p.Pro7= (NM_001136194.2, NM_014929.4).
Identifiers: ClinVar variation 3054108 (VCV003054108.2), dbSNP rs1478893824, ClinGen allele CA431114509.